The following is an entry in ClinVar:

ClinVar aggregate classification (germline): other (0 of 4 stars; one submission).

Conditions:
Familial colorectal cancer. Identifiers: MedGen CN280943, MONDO:0023113. Disease mechanism: loss of function.

Submission:

Systems Biology Platform Zhejiang California International NanoSystems Institute
Classification: other for Familial colorectal cancer. Review status: no assertion criteria provided. Collection method: not provided. Allele origin: unknown.
ClinVar note: Converted during submission from cancer to other.

NM_000038.6(APC):c.531+1477G>T

Gene: APC (APC regulator of WNT signaling pathway; plus strand). Cytogenetic location: 5q22.2.
Variant type: single nucleotide variant.
Coding change: c.531+1477G>T on transcript NM_000038.6 (MANE Select); 1477 bases into the intron after coding-DNA position 531, G replaced by T.
Molecular consequence: intron variant.
Genome position (GRCh38, 1-based): chr5:112,777,214, G>T. VCF-style: chr5-112777214-G-T. GRCh37 (hg19) VCF-style: chr5-112112911-G-T.
Other names: c.531+1477G>T (NM_001354895.2, NM_001127510.3, NM_001354896.2 and 2 more transcripts); c.561+1477G>T (NM_001354897.2, NM_001354902.2, NM_001127511.3); c.456+1477G>T (NM_001354898.2, NM_001354904.2); c.-505+1477G>T (NM_001354906.2); c.354+1477G>T (NM_001354900.2, NM_001354901.2, NM_001354905.2).
Identifiers: ClinVar variation 82921 (VCV000082921.2), dbSNP rs79528641, ClinGen allele CA010104.